The following is an entry in ClinVar:

ClinVar aggregate classification (germline): Uncertain significance. Review status: criteria provided, multiple submitters, no conflicts (2 of 4 stars). 2 submissions from 2 submitters: Uncertain significance (2). Last evaluated 2022-06-27.

Conditions:
Propionic acidemia (PROP). Also called: HYPERGLYCINEMIA WITH KETOACIDOSIS AND LEUKOPENIA; KETOTIC HYPERGLYCINEMIA; GLYCINEMIA, KETOTIC. Identifiers: Orphanet 35, MedGen C0268579, MONDO:0011628, OMIM 606054, HP:0003571.

Allele frequency attached by ClinVar (database versions not stated): TOPMed 0.00002; gnomAD 0.00004; ESP Exome Variant Server 0.00008.
gnomAD v4.1: 55 of 1,612,298 alleles (0.0034%); highest among the groups gnomAD compares: Non-Finnish European, 0.0045%; no homozygotes.

Submissions (2):

Labcorp Genetics (formerly Invitae), Labcorp
Classification: Uncertain significance for Propionic acidemia. Last evaluated: 2022-06-27. Review status: criteria provided, single submitter. Criteria: Invitae Variant Classification Sherloc (09022015). Collection method: clinical testing. Allele origin: germline.
Comment: This sequence change replaces alanine, which is neutral and non-polar, with threonine, which is neutral and polar, at codon 57 of the PCCB protein (p.Ala57Thr). The frequency data for this variant in the population databases is considered unreliable, as metrics indicate poor data quality at this position in the gnomAD database. This variant has not been reported in the literature in individuals affected with PCCB-related conditions. Advanced modeling of protein sequence and biophysical properties (such as structural, functional, and spatial information, amino acid conservation, physicochemical variation, residue mobility, and thermodynamic stability) performed at Invitae indicates that this missense variant is not expected to disrupt PCCB protein function. In summary, the available evidence is currently insufficient to determine the role of this variant in disease. Therefore, it has been classified as a Variant of Uncertain Significance.

Department of Pathology and Laboratory Medicine, Sinai Health System
Classification: Uncertain significance for Propionic acidemia. Last evaluated: 2021-08-20. Review status: criteria provided, single submitter. Criteria: ACMG Guidelines, 2015. Collection method: research. Allele origin: germline.

NM_000532.5(PCCB):c.169G>A (p.Ala57Thr)

Gene: PCCB (propionyl-CoA carboxylase subunit beta; plus strand). Cytogenetic location: 3q22.3.
Variant type: single nucleotide variant.
Coding change: c.169G>A on transcript NM_000532.5 (MANE Select); coding-DNA position 169, G replaced by A.
Protein change: p.Ala57Thr; replaces alanine 57 with threonine.
Molecular consequence: missense variant.
Genome position (GRCh38, 1-based): chr3:136,250,544, G>A. VCF-style: chr3-136250544-G-A. GRCh37 (hg19) VCF-style: chr3-135969386-G-A.
Other names: c.169G>A, p.Ala57Thr (NM_001178014.2); short protein forms A57T.
Identifiers: ClinVar variation 1360871 (VCV001360871.4), dbSNP rs371406048, ClinGen allele CA2631592.
Genomic context (GRCh38, chr3:136,250,544, plus strand): 5'-GAACGCATCGAAAACAAGCGCCGGACCGCGCTGCTGGGAGGGGGCCAACGCCGTATTGAC[G>A]CGCAGCACAAGCGAGTGAGTCCTGAGGGGCCTAAGTGAGTCCCGCCCCTGGCGTCCGCGA-3'
Protein context (NP_000523.2, residues 47-67): LLGGGQRRID[Ala57Thr]QHKRGKLTAR